The following is an entry in ClinVar:

ClinVar aggregate classification (germline): Pathogenic. Review status: criteria provided, multiple submitters, no conflicts (2 of 4 stars). 2 submissions from 2 submitters: Pathogenic (2). Last evaluated 2024-08-02.

Conditions:
Joint laxity, short stature, and myopia. Identifiers: Orphanet 527450, MedGen C4540020, MONDO:0060556, OMIM 617662.

Allele frequency attached by ClinVar (database versions not stated): gnomAD exomes below 0.00001.

Submissions (2):

Labcorp Genetics (formerly Invitae), Labcorp
Classification: Pathogenic. Last evaluated: 2024-08-02. Review status: criteria provided, single submitter. Criteria: Invitae Variant Classification Sherloc (09022015). Collection method: clinical testing. Allele origin: germline.
Comment: This sequence change creates a premature translational stop signal (p.His481Ilefs*26) in the GZF1 gene. It is expected to result in an absent or disrupted protein product. Loss-of-function variants in GZF1 are known to be pathogenic (PMID: 28475863). This variant is present in population databases (no rsID available, gnomAD 0.003%). This variant has not been reported in the literature in individuals affected with GZF1-related conditions. ClinVar contains an entry for this variant (Variation ID: 1687511). For these reasons, this variant has been classified as Pathogenic.

3billion
Classification: Pathogenic for Joint laxity, short stature, and myopia. Last evaluated: 2022-05-22. Review status: criteria provided, single submitter. Criteria: ACMG Guidelines, 2015. Collection method: clinical testing. Allele origin: germline. Affected: yes. Observed: 1 heterozygote.
Comment: The variant is observed at an extremely low frequency in the gnomAD v2.1.1 dataset (total allele frequency: <0.001%). Frameshift: predicted to result in a loss or disruption of normal protein function through nonsense-mediated decay (NMD) or protein truncation. Multiple pathogenic variants are reported downstream of the variant. The variant is in trans with the NM_022482.5:c.1451_1452del variant (3billion dataset). Therefore, this variant is classified as pathogenic according to the recommendation of ACMG/AMP guideline.

Literature cited by the submitters: PubMed 28475863 (cited by Labcorp Genetics (formerly Invitae), Labcorp).

NM_022482.5(GZF1):c.1440del (p.His481fs)

Gene: GZF1 (GDNF inducible zinc finger protein 1; plus strand). Cytogenetic location: 20p11.21.
Variant type: Deletion.
Coding change: c.1440del on transcript NM_022482.5 (MANE Select); coding-DNA position 1440, one base deleted (T; older notation c.1440delT).
Protein change: p.His481fs; shifts the reading frame from histidine 481.
Molecular consequence: frameshift variant.
Genome position (GRCh38, 1-based): chr20:23,367,078, T deleted. VCF-style (leftmost placement, unchanged base first): chr20-23367077-AT-A. GRCh37 (hg19) VCF-style: chr20-23347714-AT-A.
Other names: c.1440del, p.His481fs (NM_001317012.2, NM_001317019.1); short protein forms H481fs.
Identifiers: ClinVar variation 1687511 (VCV001687511.3), dbSNP rs1210751666, ClinGen allele CA634900520.